The following is an entry in ClinVar:

NM_015386.3(COG4):c.2247C>A (p.Ile749=)

Gene: COG4 (component of oligomeric golgi complex 4; minus strand). Cytogenetic location: 16q22.1.
Variant type: single nucleotide variant.
Coding change: c.2247C>A on transcript NM_015386.3 (MANE Select); coding-DNA position 2247, C replaced by A.
Protein change: p.Ile749=; no amino-acid change (isoleucine 749 retained).
Molecular consequence: synonymous variant. On other transcripts: non-coding transcript variant (1).
Genome position (GRCh38, 1-based): chr16:70,481,133, G>T on the plus strand (C>A on the coding strand, the complement: COG4 is on the minus strand). VCF-style: chr16-70481133-G-T. GRCh37 (hg19) VCF-style: chr16-70515036-G-T.
Other names: c.2172C>A, p.Ile724= (NM_001195139.2); c.1821C>A, p.Ile607= (NM_001365426.1); c.2247C>A (NM_015386.2).
Identifiers: ClinVar variation 1655511 (VCV001655511.40), dbSNP rs767522005, ClinGen allele CA8143983.

ClinVar aggregate classification (germline): Likely benign. Review status: criteria provided, multiple submitters, no conflicts (2 of 4 stars). 4 submissions from 4 submitters: Likely benign (3). 1 of the submissions does not count toward it. Last evaluated 2026-03-01.

Conditions:
COG4-congenital disorder of glycosylation. Also called: COG4-CDG; CONGENITAL DISORDER OF GLYCOSYLATION, TYPE IIj; CDG IIj. Identifiers: Orphanet 263501, MedGen C4303552, MONDO:0013281, OMIM 613489.
COG4-related disorder. Also called: COG4-related condition.

Allele frequency attached by ClinVar (database versions not stated): TOPMed 0.00005; gnomAD exomes 0.00008; gnomAD 0.00010 and 0.00011; ExAC 0.00012.
gnomAD v4.1: 108 of 1,613,338 alleles (0.0067%); highest among the groups gnomAD compares: Non-Finnish European, 0.0053%; 1 homozygote.

Submissions (4):

CeGaT Center for Human Genetics Tuebingen
Classification: Likely benign. Last evaluated: 2026-03-01. Review status: criteria provided, single submitter. Criteria: CeGaT Center For Human Genetics Tuebingen Variant Classification Criteria Version 2. Collection method: clinical testing. Allele origin: germline. Affected: yes. Observed: 2 variant alleles.
Comment: COG4: BP4, BP7

Labcorp Genetics (formerly Invitae), Labcorp
Classification: Likely benign for COG4-congenital disorder of glycosylation. Last evaluated: 2025-05-13. Review status: criteria provided, single submitter. Criteria: Invitae Variant Classification Sherloc (09022015). Collection method: clinical testing. Allele origin: germline.

Blueprint Genetics
Classification: Likely benign. Last evaluated: 2024-10-04. Review status: criteria provided, single submitter. Criteria: ACMG Guidelines, 2015. Collection method: clinical testing. Allele origin: germline.

PreventionGenetics, part of Exact Sciences
Classification: Likely benign for COG4-related condition. Last evaluated: 2019-12-19. Review status: no assertion criteria provided. Collection method: clinical testing. Allele origin: germline. Not counted in ClinVar's aggregate classification.
Comment: This variant is classified as likely benign based on ACMG/AMP sequence variant interpretation guidelines (Richards et al. 2015 PMID: 25741868, with internal and published modifications).